The following is an entry in ClinVar:

ClinVar aggregate classification (germline): Uncertain significance (1 of 4 stars; one submission).

gnomAD v4.1: 38 of 1,612,400 alleles (0.0024%); highest among the groups gnomAD compares: African/African-American, 0.032%; no homozygotes.

Submission:

Ambry Genetics
Classification: Uncertain significance. Last evaluated: 2025-04-11. Review status: criteria provided, single submitter. Criteria: Ambry Variant Classification Scheme 2023. Collection method: clinical testing. Allele origin: germline.
Comment: The p.P35S variant (also known as c.103C>T), located in coding exon 2 of the RAD51B gene, results from a C to T substitution at nucleotide position 103. The proline at codon 35 is replaced by serine, an amino acid with similar properties. This amino acid position is well conserved in available vertebrate species. In addition, this alteration is predicted to be tolerated by in silico analysis. The evidence for this gene-disease relationship is limited; therefore, the clinical significance of this alteration is unclear.

NM_133510.4(RAD51B):c.103C>T (p.Pro35Ser)

Gene: RAD51B (RAD51 paralog B; plus strand). Cytogenetic location: 14q24.1.
Variant type: single nucleotide variant.
Coding change: c.103C>T on transcript NM_133510.4 (MANE Select); coding-DNA position 103, C replaced by T.
Protein change: p.Pro35Ser; replaces proline 35 with serine.
Molecular consequence: missense variant. On other transcripts: 5 prime UTR variant (2).
Genome position (GRCh38, 1-based): chr14:67,825,482, C>T. VCF-style: chr14-67825482-C-T. GRCh37 (hg19) VCF-style: chr14-68292199-C-T.
Other names: c.103C>T, p.Pro35Ser (NM_001321809.2, NM_001321810.2, NM_001321812.1 and 6 more transcripts); c.-12C>T (NM_001321815.1); c.-353C>T (NM_001321817.2); short protein forms P35S.
Identifiers: ClinVar variation 3942244 (VCV003942244.1).
Genomic context (GRCh38, chr14:67,825,482, plus strand): 5'-TTACACATATATGTTTAAAATACTCTCTTTATGTTTCTTTAGGACTTTTTATGTCTTTCC[C>T]CACTGGAGCTTATGAAGGTGACTGGTCTGAGTTATCGAGGTGTCCATGAACTTCTATGTA-3'
Protein context (NP_598194.1, residues 25-45): LTCQDFLCLS[Pro35Ser]LELMKVTGLS